The following is an entry in ClinVar:

NM_138281.3(DLX4):c.404G>C (p.Arg135Pro)

Gene: DLX4 (distal-less homeobox 4; plus strand). Cytogenetic location: 17q21.33.
Variant type: single nucleotide variant.
Coding change: c.404G>C on transcript NM_138281.3 (MANE Select); coding-DNA position 404, G replaced by C.
Protein change: p.Arg135Pro; replaces arginine 135 with proline.
Molecular consequence: missense variant.
Genome position (GRCh38, 1-based): chr17:49,973,193, G>C. VCF-style: chr17-49973193-G-C. GRCh37 (hg19) VCF-style: chr17-48050557-G-C.
Other names: c.188G>C, p.Arg63Pro (NM_001934.4); short protein forms R135P, R63P.
Identifiers: ClinVar variation 788750 (VCV000788750.11), dbSNP rs151318731, ClinGen allele CA8640814.

ClinVar aggregate classification (germline): Likely benign. Review status: criteria provided, multiple submitters, no conflicts (2 of 4 stars). 3 submissions from 3 submitters: Likely benign (2). 1 of the submissions does not count toward it. Last evaluated 2025-12-01.

Conditions:
DLX4-related disorder. Also called: DLX4-related condition.

Allele frequency attached by ClinVar (database versions not stated): gnomAD 0.00287 and 0.00299; ESP Exome Variant Server 0.00308; 1000 Genomes Project 30x 0.00109; 1000 Genomes Project 0.00120; TOPMed 0.00251; ExAC 0.00274.
gnomAD v4.1: 6,640 of 1,614,134 alleles (0.41%); highest among the groups gnomAD compares: Non-Finnish European, 0.52%; 15 homozygotes.

Submissions (3):

CeGaT Center for Human Genetics Tuebingen
Classification: Likely benign. Last evaluated: 2025-12-01. Review status: criteria provided, single submitter. Criteria: CeGaT Center For Human Genetics Tuebingen Variant Classification Criteria Version 2. Collection method: clinical testing. Allele origin: germline. Affected: yes. Observed: 1 variant allele.
Comment: DLX4: BS2

Labcorp Genetics (formerly Invitae), Labcorp
Classification: Likely benign. Last evaluated: 2019-12-31. Review status: criteria provided, single submitter. Criteria: Invitae Variant Classification Sherloc (09022015). Collection method: clinical testing. Allele origin: germline.

PreventionGenetics, part of Exact Sciences
Classification: Likely benign for DLX4-related condition. Last evaluated: 2019-10-25. Review status: no assertion criteria provided. Collection method: clinical testing. Allele origin: germline. Not counted in ClinVar's aggregate classification.
Comment: This variant is classified as likely benign based on ACMG/AMP sequence variant interpretation guidelines (Richards et al. 2015 PMID: 25741868, with internal and published modifications).